The following is an entry in ClinVar:

NM_000057.4(BLM):c.1610C>A (p.Thr537Asn)

Gene: BLM (BLM RecQ like helicase; plus strand). Cytogenetic location: 15q26.1.
Variant type: single nucleotide variant.
Coding change: c.1610C>A on transcript NM_000057.4 (MANE Select); coding-DNA position 1610, C replaced by A.
Protein change: p.Thr537Asn; replaces threonine 537 with asparagine.
Molecular consequence: missense variant.
Genome position (GRCh38, 1-based): chr15:90,760,983, C>A. VCF-style: chr15-90760983-C-A. GRCh37 (hg19) VCF-style: chr15-91304213-C-A.
Other names: c.1610C>A (NM_000057.2); c.1610C>A, p.Thr537Asn (NM_001287246.2, NM_001287247.2); c.485C>A, p.Thr162Asn (NM_001287248.2); short protein forms T537N, T162N.
Identifiers: ClinVar variation 454084 (VCV000454084.10), dbSNP rs1555419928, ClinGen allele CA393843441.

ClinVar aggregate classification (germline): Uncertain significance. Review status: criteria provided, multiple submitters, no conflicts (2 of 4 stars). 2 submissions from 2 submitters: Uncertain significance (2). Last evaluated 2025-03-01.

Conditions:
Hereditary cancer-predisposing syndrome. Also called: Hereditary Cancer Syndrome; Hereditary neoplastic syndrome; Neoplastic Syndromes, Hereditary; Tumor predisposition. Identifiers: Orphanet 140162, MedGen C0027672, MeSH D009386, MONDO:0015356.
Bloom syndrome (BLM). Also called: Bloom-Torre-Machacek syndrome. Identifiers: Orphanet 125, MedGen C0005859, MONDO:0008876, OMIM 210900.

Submissions (2):

Ambry Genetics
Classification: Uncertain significance for Hereditary cancer-predisposing syndrome. Last evaluated: 2025-03-01. Review status: criteria provided, single submitter. Criteria: Ambry Variant Classification Scheme 2023. Collection method: clinical testing. Allele origin: germline.
Comment: The p.T537N variant (also known as c.1610C>A), located in coding exon 6 of the BLM gene, results from a C to A substitution at nucleotide position 1610. The threonine at codon 537 is replaced by asparagine, an amino acid with similar properties. This amino acid position is conserved. In addition, this alteration is predicted to be tolerated by in silico analysis. Based on the available evidence, the clinical significance of this variant remains unclear.

Labcorp Genetics (formerly Invitae), Labcorp
Classification: Uncertain significance for Bloom syndrome. Last evaluated: 2017-03-16. Review status: criteria provided, single submitter. Criteria: Invitae Variant Classification Sherloc (09022015). Collection method: clinical testing. Allele origin: germline.
Comment: In summary, this variant is a novel missense change that is not predicted to affect protein function. There is no indication that it causes disease, but the available evidence is currently insufficient to prove that conclusively. Therefore, it has been classified as a Variant of Uncertain Significance. Algorithms developed to predict the effect of missense changes on protein structure and function (SIFT, PolyPhen-2, Align-GVGD) all suggest that this variant is likely to be tolerated, but these predictions have not been confirmed by published functional studies. This variant is not present in population databases (ExAC no frequency) and has not been reported in the literature in individuals with a BLM-related disease. This sequence change replaces threonine with asparagine at codon 537 of the BLM protein (p.Thr537Asn). The threonine residue is weakly conserved and there is a small physicochemical difference between threonine and asparagine.